The following is an entry in ClinVar:

NM_000517.6(HBA2):c.257A>T (p.Asp86Val)

Genes: HBA2 (hemoglobin subunit alpha 2; plus strand), LOC106804612 (hemoglobin subunit alpha 2 recombination region; plus strand). Cytogenetic location: 16p13.3.
Variant type: single nucleotide variant.
Coding change: c.257A>T on transcript NM_000517.6 (MANE Select); coding-DNA position 257, A replaced by T.
Protein change: p.Asp86Val; replaces aspartic acid 86 with valine.
Molecular consequence: missense variant.
Genome position (GRCh38, 1-based): chr16:173,286, A>T. VCF-style: chr16-173286-A-T. GRCh37 (hg19) VCF-style: chr16-223285-A-T.
Other names: D85V; short protein forms D86V.
Identifiers: ClinVar variation 15639 (VCV000015639.15), dbSNP rs41331747, ClinGen allele CA125574.

ClinVar aggregate classification (germline): Conflicting classifications of pathogenicity. Review status: criteria provided, conflicting classifications (1 of 4 stars). 4 submissions from 3 submitters: Uncertain significance (1); Likely benign (1). 2 of the submissions do not count toward it. Last evaluated 2025-05-19.

Conditions:
Erythrocytosis, familial, 7. Also called: ERYTHROCYTOSIS, ALPHA-GLOBIN TYPE; POLYCYTHEMIA, ALPHA-GLOBIN TYPE; ERYTHROCYTOSIS 7. Identifiers: MedGen C4693823, MONDO:0054802, OMIM 617981.
HEMOGLOBIN INKSTER.

Allele frequency attached by ClinVar (database versions not stated): gnomAD exomes below 0.00001.

Submissions (4):

ARUP Laboratories, Molecular Genetics and Genomics, ARUP Laboratories
Classification: Likely benign. Last evaluated: 2025-05-19. Review status: criteria provided, single submitter. Criteria: ARUP Molecular Germline Variant Investigation Process 2024. Collection method: clinical testing. Allele origin: germline.
Comment: The Hb Inkster variant (HBA2: c.257A>T; p.Asp86Val, also known as Asp85Val when numbered from the mature protein, rs41331747, ClinVar Variation ID: 15639, HbVar ID: 131) has been reported in an individual with polycythemia (Aguinaga 2000), but has has not been associated with significant clinical symptoms (Reed 1974, HbVar database and references therein). This variant is reported as a stable hemoglobin variant with increased oxygen affinity (Molchanova 1994). This variant is absent from the Genome Aggregation Database (v2.1.1), indicating it is not a common polymorphism. Based on available information, this variant is considered to be likely benign. References: Link to HbVar database: Aguinaga M et al. Hb Inkster [alpha85(F6)Asp-->Val] found in a caucasian male with polycythemia. Hemoglobin. 2000; 24(4):333-9. PMID: 11186265. Molchanova T et al. The differences in quantities of alpha 2- and alpha 1-globin gene variants in heterozygotes. Br J Haematol. 1994; 88(2):300-6. PMID: 7803274. Reed R et al. Haemoglobin inkster (alpha2 85aspartic acid leads to valine beta2) coexisting with beta-thalassaemia in a Caucasian family. Br J Haematol. 1974; 26(3):475-84. PMID: 4212045.

Quest Diagnostics Nichols Institute San Juan Capistrano
Classification: Uncertain significance. Last evaluated: 2020-06-26. Review status: criteria provided, single submitter. Criteria: Quest Diagnostics criteria. Collection method: clinical testing. Allele origin: unknown.

OMIM
Classification: other for HEMOGLOBIN INKSTER. Last evaluated: 2023-09-15. Review status: no assertion criteria provided. Collection method: literature only. Allele origin: germline. Not counted in ClinVar's aggregate classification.

OMIM
Classification: Pathogenic for ERYTHROCYTOSIS 7. Last evaluated: 2000-11-01. Review status: no assertion criteria provided. Collection method: literature only. Allele origin: germline. Not counted in ClinVar's aggregate classification.

Literature cited by the submitters: PubMed 7803274 (cited by Quest Diagnostics Nichols Institute San Juan Capistrano); PubMed 11186265 (cited by Quest Diagnostics Nichols Institute San Juan Capistrano and OMIM); PubMed 4212045 (cited by Quest Diagnostics Nichols Institute San Juan Capistrano and OMIM); PubMed 2752146 (cited by OMIM).